The following is an entry in ClinVar:

ClinVar aggregate classification (germline): Uncertain significance. Review status: criteria provided, multiple submitters, no conflicts (2 of 4 stars). 2 submissions from 2 submitters: Uncertain significance (2). Last evaluated 2025-08-30.

Conditions:
Fetal akinesia deformation sequence 1 (FADS1). Also called: Pena-Shokeir syndrome type I; Fetal akinesia sequence. Identifiers: Orphanet 994, MedGen C1276035, MONDO:0100101, OMIM 208150, HP:0001989.
Congenital myasthenic syndrome 9. Also called: Myasthenic syndrome, congenital, 9, associated with acetylcholine receptor deficiency. Identifiers: Orphanet 590, MedGen C4225368, MONDO:0014587, OMIM 616325.
Inborn genetic diseases. Identifiers: MedGen C0950123, MeSH D030342.

Allele frequency attached by ClinVar (database versions not stated): ExAC 0.00001; gnomAD exomes 0.00001; gnomAD 0.00003; TOPMed 0.00003.
gnomAD v4.1: 49 of 1,613,186 alleles (0.003%); highest among the groups gnomAD compares: Non-Finnish European, 0.0039%; no homozygotes.

Submissions (2):

Ambry Genetics
Classification: Uncertain significance for Inborn genetic diseases. Last evaluated: 2025-08-30. Review status: criteria provided, single submitter. Criteria: Ambry Variant Classification Scheme 2023. Collection method: clinical testing. Allele origin: germline.

Labcorp Genetics (formerly Invitae), Labcorp
Classification: Uncertain significance for Congenital myasthenic syndrome 9; Fetal akinesia deformation sequence 1. Last evaluated: 2021-08-31. Review status: criteria provided, single submitter. Criteria: Invitae Variant Classification Sherloc (09022015). Collection method: clinical testing. Allele origin: germline.
Comment: This sequence change replaces lysine with threonine at codon 528 of the MUSK protein (p.Lys528Thr). The lysine residue is highly conserved and there is a moderate physicochemical difference between lysine and threonine. This variant is present in population databases (rs776545636, ExAC 0.001%). This variant has not been reported in the literature in individuals affected with MUSK-related conditions. Advanced modeling of protein sequence and biophysical properties (such as structural, functional, and spatial information, amino acid conservation, physicochemical variation, residue mobility, and thermodynamic stability) performed at Invitae indicates that this missense variant is not expected to disrupt MUSK protein function. In summary, the available evidence is currently insufficient to determine the role of this variant in disease. Therefore, it has been classified as a Variant of Uncertain Significance.

NM_005592.4(MUSK):c.1583A>C (p.Lys528Thr)

Gene: MUSK (muscle associated receptor tyrosine kinase; plus strand). Cytogenetic location: 9q31.3.
Variant type: single nucleotide variant.
Coding change: c.1583A>C on transcript NM_005592.4 (MANE Select); coding-DNA position 1583, A replaced by C.
Protein change: p.Lys528Thr; replaces lysine 528 with threonine.
Molecular consequence: missense variant.
Genome position (GRCh38, 1-based): chr9:110,785,013, A>C. VCF-style: chr9-110785013-A-C. GRCh37 (hg19) VCF-style: chr9-113547293-A-C.
Other names: c.1325A>C, p.Lys442Thr (NM_001166280.2); c.1295A>C, p.Lys432Thr (NM_001166281.2); c.323A>C, p.Lys108Thr (NM_001369398.1); c.1583A>C (NM_005592.3); short protein forms K108T, K432T, K442T, K528T.
Identifiers: ClinVar variation 1026236 (VCV001026236.7), dbSNP rs776545636, ClinGen allele CA5184391.